The following is an entry in ClinVar:

ClinVar aggregate classification (germline): Pathogenic. Review status: criteria provided, multiple submitters, no conflicts (2 of 4 stars). 2 submissions from 2 submitters: Pathogenic (2). Last evaluated 2026-04-17.

Conditions:
Hereditary cancer-predisposing syndrome. Also called: Hereditary neoplastic syndrome; Neoplastic Syndromes, Hereditary; Tumor predisposition; Hereditary Cancer Syndrome. Identifiers: Orphanet 140162, MedGen C0027672, MeSH D009386, MONDO:0015356.
Hereditary breast ovarian cancer syndrome. Also called: Hereditary breast and ovarian cancer syndrome; Hereditary breast and/or ovarian cancer syndrome; Hereditary breast and ovarian cancer; Hereditary breast and ovarian cancer syndrome (HBOC); BRCA1- and BRCA2-Associated Hereditary Breast and Ovarian Cancer; Breast and ovarian cancer. Identifiers: Orphanet 145, MedGen C0677776, MeSH D061325, MONDO:0003582. Disease mechanism: loss of function.

Submissions (2):

Ambry Genetics
Classification: Pathogenic for Hereditary cancer-predisposing syndrome. Last evaluated: 2026-04-17. Review status: criteria provided, single submitter. Criteria: Ambry Variant Classification Scheme 2023. Collection method: clinical testing. Allele origin: germline.
Comment: The c.4513delG pathogenic mutation, located in coding exon 13 of the BRCA1 gene, results from a deletion of one nucleotide at nucleotide position 4513, causing a translational frameshift with a predicted alternate stop codon (p.D1505Mfs*43). This variant is considered to be rare based on population cohorts in the Genome Aggregation Database (gnomAD). This alteration is expected to result in loss of function by premature protein truncation or nonsense-mediated mRNA decay. As such, this alteration is interpreted as a disease-causing mutation.

Labcorp Genetics (formerly Invitae), Labcorp
Classification: Pathogenic for Hereditary breast ovarian cancer syndrome. Last evaluated: 2024-10-07. Review status: criteria provided, single submitter. Criteria: Invitae Variant Classification Sherloc (09022015). Collection method: clinical testing. Allele origin: germline.
Comment: This sequence change creates a premature translational stop signal (p.Asp1505Metfs*43) in the BRCA1 gene. It is expected to result in an absent or disrupted protein product. Loss-of-function variants in BRCA1 are known to be pathogenic (PMID: 20104584). This variant is not present in population databases (gnomAD no frequency). This variant has not been reported in the literature in individuals affected with BRCA1-related conditions. ClinVar contains an entry for this variant (Variation ID: 1073249). For these reasons, this variant has been classified as Pathogenic.

Literature cited by the submitters: PubMed 20104584 (cited by Labcorp Genetics (formerly Invitae), Labcorp).

NM_007294.4(BRCA1):c.4513del (p.Asp1505fs)

Gene: BRCA1 (BRCA1 DNA repair associated; minus strand). Cytogenetic location: 17q21.31.
Variant type: Deletion.
Coding change: c.4513del on transcript NM_007294.4 (MANE Select); coding-DNA position 4513, one base deleted (G; older notation c.4513delG).
Protein change: p.Asp1505fs; shifts the reading frame from aspartic acid 1505.
Molecular consequence: frameshift variant. On other transcripts: non-coding transcript variant (1).
Genome position (GRCh38, 1-based): chr17:43,074,493, C deleted on the plus strand (G on the coding strand, the reverse complement: BRCA1 is on the minus strand). VCF-style (leftmost placement, unchanged base first): chr17-43074492-TC-T. GRCh37 (hg19) VCF-style: chr17-41226509-TC-T.
Other names: c.4300delG, p.Asp1434Metfs (NM_001407571.1, NM_001407894.1, NM_001407895.1 and 12 more transcripts); c.4579delG, p.Asp1527Metfs (NM_001407581.1, NM_001407582.1); c.4576delG, p.Asp1526Metfs (NM_001407583.1, NM_001407585.1, NM_001407587.1); c.4573delG, p.Asp1525Metfs (NM_001407590.1, NM_001407591.1); c.4513delG, p.Asp1505Metfs (NM_001407593.1, NM_001407594.1, NM_001407596.1 and 8 more transcripts); c.4510delG, p.Asp1504Metfs (NM_001407610.1, NM_001407611.1, NM_001407612.1 and 17 more transcripts); c.4507delG, p.Asp1503Metfs (NM_001407627.1, NM_001407628.1, NM_001407629.1 and 14 more transcripts); c.4504delG, p.Asp1502Metfs (NM_001407644.1, NM_001407645.1); and 71 more; short protein forms D1458fs, D1505fs, D1526fs, D401fs.
Identifiers: ClinVar variation 1073249 (VCV001073249.12), dbSNP rs2154021907, ClinGen allele CA2499224408.